The following is an entry in ClinVar:

ClinVar aggregate classification (germline): Uncertain significance (1 of 4 stars; one submission).

Conditions:
Beckwith-Wiedemann syndrome (BWS). Also called: EMG SYNDROME; Exomphalos macroglossia gigantism syndrome. Identifiers: Orphanet 116, MedGen C0004903, MONDO:0007534, OMIM 130650.

Allele frequency attached by ClinVar (database versions not stated): gnomAD exomes below 0.00001.
gnomAD v4.1: 3 of 1,405,320 alleles (0.00021%); highest among the groups gnomAD compares: Non-Finnish European, 0.00027%; no homozygotes.

Submission:

Labcorp Genetics (formerly Invitae), Labcorp
Classification: Uncertain significance for Beckwith-Wiedemann syndrome. Last evaluated: 2022-04-29. Review status: criteria provided, single submitter. Criteria: Invitae Variant Classification Sherloc (09022015). Collection method: clinical testing. Allele origin: germline.
Comment: This sequence change replaces proline, which is neutral and non-polar, with alanine, which is neutral and non-polar, at codon 137 of the CDKN1C protein (p.Pro137Ala). In summary, the available evidence is currently insufficient to determine the role of this variant in disease. Therefore, it has been classified as a Variant of Uncertain Significance. Algorithms developed to predict the effect of missense changes on protein structure and function are either unavailable or do not agree on the potential impact of this missense change (SIFT: "Tolerated"; PolyPhen-2: "Not Available"; Align-GVGD: "Class C0"). This variant has not been reported in the literature in individuals affected with CDKN1C-related conditions. This variant is not present in population databases (gnomAD no frequency).

NM_001122630.2(CDKN1C):c.376C>G (p.Pro126Ala)

Gene: CDKN1C (cyclin dependent kinase inhibitor 1C; minus strand). Cytogenetic location: 11p15.4.
Variant type: single nucleotide variant.
Coding change: c.376C>G on transcript NM_001122630.2 (MANE Select); coding-DNA position 376, C replaced by G.
Protein change: p.Pro126Ala; replaces proline 126 with alanine.
Molecular consequence: missense variant. On other transcripts: intron variant (1).
Genome position (GRCh38, 1-based): chr11:2,885,081, G>C on the plus strand (C>G on the coding strand, the complement: CDKN1C is on the minus strand). VCF-style: chr11-2885081-G-C. GRCh37 (hg19) VCF-style: chr11-2906311-G-C.
Other names: c.409C>G, p.Pro137Ala (NM_000076.2, NM_001362474.2); c.376C>G, p.Pro126Ala (NM_001122631.2); c.255+121C>G (NM_001362475.2); short protein forms P126A, P137A.
Identifiers: ClinVar variation 2131857 (VCV002131857.4), dbSNP rs2494388341, ClinGen allele CA379146754.